The following is an entry in ClinVar:

NM_000135.4(FANCA):c.376A>T (p.Thr126Ser)

Gene: FANCA (FA complementation group A; minus strand). Cytogenetic location: 16q24.3.
Variant type: single nucleotide variant.
Coding change: c.376A>T on transcript NM_000135.4 (MANE Select); coding-DNA position 376, A replaced by T.
Protein change: p.Thr126Ser; replaces threonine 126 with serine.
Molecular consequence: missense variant.
Genome position (GRCh38, 1-based): chr16:89,810,979, T>A on the plus strand (A>T on the coding strand, the complement: FANCA is on the minus strand). VCF-style: chr16-89810979-T-A. GRCh37 (hg19) VCF-style: chr16-89877387-T-A.
Other names: c.376A>T, p.Thr126Ser (NM_001018112.3, NM_001286167.3, NM_001351830.2); short protein forms T126S.
Identifiers: ClinVar variation 1692223 (VCV001692223.1), dbSNP rs953219736, ClinGen allele CA397480946.
Genomic context (GRCh38, chr16:89,810,979, plus strand): 5'-GGTGTCTTACTCTCTGCTCCACAGTCAGCAGCACAGGGTGACTGGTCTCCGCTGGAGCCG[T>A]GCAGATCTGTCCCACGCTAGAGGCAACCATCCCGGCTGAGAGAATACCCACGGGAACCCC-3'
Protein context (NP_000126.2, residues 116-136): MVASSVGQIC[Thr126Ser]APAETSHPVL

ClinVar aggregate classification (germline): Uncertain significance (1 of 4 stars; one submission).

Conditions:
Fanconi anemia (FA). Also called: Fanconi's anemia. Identifiers: Orphanet 84, MedGen C0015625, MeSH D005199, MONDO:0019391.

Submission:

Sema4
Classification: Uncertain significance for Fanconi anemia. Last evaluated: 2021-06-25. Review status: criteria provided, single submitter. Criteria: Sema4 Curation Guidelines. Collection method: curation. Allele origin: germline.
Comment: The FANCA c.376A>T (p.T126S) variant has not been reported in the literature to our knowledge. It was not observed in the large and broad cohorts of the Genome Aggregation Database. The variant has not been reported in ClinVar. In silico tools suggest the impact of the variant on protein function is benign, though these predictions have not been confirmed by functional studies. The evidence is insufficient to meet ACMG/AMP criteria for classifying the variant as benign or pathogenic. Thus, the clinical significance of this variant is currently uncertain.